The following is an entry in ClinVar:

NM_001024630.4(RUNX2):c.210G>T (p.Gln70His)

Genes: RUNX2 (RUNX family transcription factor 2; plus strand), LOC109611589 (runt related transcription factor 2 polyalanine expansion region; plus strand). Cytogenetic location: 6p21.1.
Variant type: single nucleotide variant.
Coding change: c.210G>T on transcript NM_001024630.4 (MANE Select); coding-DNA position 210, G replaced by T.
Protein change: p.Gln70His; replaces glutamine 70 with histidine.
Molecular consequence: missense variant.
Genome position (GRCh38, 1-based): chr6:45,422,744, G>T. VCF-style: chr6-45422744-G-T. GRCh37 (hg19) VCF-style: chr6-45390481-G-T.
Other names: c.210G>T, p.Gln70His (NM_001015051.4); c.168G>T, p.Gln56His (NM_001278478.2, NM_001369405.1, NM_004348.3); c.210G>T (NM_001024630.3); short protein forms Q56H, Q70H.
Identifiers: ClinVar variation 2988054 (VCV002988054.4), dbSNP rs763117080, ClinGen allele CA3836303.

ClinVar aggregate classification (germline): Uncertain significance. Review status: criteria provided, multiple submitters, no conflicts (2 of 4 stars). 2 submissions from 2 submitters: Uncertain significance (2). Last evaluated 2025-02-09.

Conditions:
Inborn genetic diseases. Identifiers: MedGen C0950123, MeSH D030342.

Allele frequency attached by ClinVar (database versions not stated): gnomAD exomes 0.00001; TOPMed 0.00002.
gnomAD v4.1: 21 of 1,548,460 alleles (0.0014%); highest among the groups gnomAD compares: African/African-American, 0.0014%; no homozygotes.

Submissions (2):

Ambry Genetics
Classification: Uncertain significance for Inborn genetic diseases. Last evaluated: 2025-02-09. Review status: criteria provided, single submitter. Criteria: Ambry Variant Classification Scheme 2023. Collection method: clinical testing. Allele origin: germline.

Labcorp Genetics (formerly Invitae), Labcorp
Classification: Uncertain significance. Last evaluated: 2023-07-08. Review status: criteria provided, single submitter. Criteria: Invitae Variant Classification Sherloc (09022015). Collection method: clinical testing. Allele origin: germline.
Comment: This sequence change replaces glutamine, which is neutral and polar, with histidine, which is basic and polar, at codon 70 of the RUNX2 protein (p.Gln70His). The frequency data for this variant in the population databases is considered unreliable, as metrics indicate poor data quality at this position in the gnomAD database. This variant has not been reported in the literature in individuals affected with RUNX2-related conditions. An algorithm developed to predict the effect of missense changes on protein structure and function (PolyPhen-2) suggests that this variant is likely to be tolerated. In summary, the available evidence is currently insufficient to determine the role of this variant in disease. Therefore, it has been classified as a Variant of Uncertain Significance.